The following is an entry in ClinVar:

ClinVar aggregate classification (germline): Pathogenic (1 of 4 stars; one submission).

Submission:

Labcorp Genetics (formerly Invitae), Labcorp
Classification: Pathogenic. Last evaluated: 2022-02-06. Review status: criteria provided, single submitter. Criteria: Invitae Variant Classification Sherloc (09022015). Collection method: clinical testing. Allele origin: germline.
Comment: This variant is a gross deletion of the genomic region encompassing exon(s) 14-21 of the USH2A gene. This variant would be expected to be in-frame, preserving the integrity of the reading frame. This variant has not been reported in the literature in individuals affected with USH2A-related conditions. The region of the USH2A gene that includes exon(s) 17-21 has been determined to be clinically significant (PMID: 27460420, 31054281). Therefore, deletions that encompass that region are likely to be disease-causing. For these reasons, this variant has been classified as Pathogenic.

Literature cited by the submitters: PubMed 27460420; PubMed 31054281.

NC_000001.10:g.(?_216348574)_(216405498_?)del

Gene: USH2A (usherin; minus strand). Cytogenetic location: 1q41.
Variant type: Deletion.
Identifiers: ClinVar variation 2427731 (VCV002427731.4).